The following is an entry in ClinVar:

NM_004984.4(KIF5A):c.2653G>A (p.Gly885Ser)

Gene: KIF5A (kinesin family member 5A; plus strand). Cytogenetic location: 12q13.3.
Variant type: single nucleotide variant.
Coding change: c.2653G>A on transcript NM_004984.4 (MANE Select); coding-DNA position 2653, G replaced by A.
Protein change: p.Gly885Ser; replaces glycine 885 with serine.
Molecular consequence: missense variant.
Genome position (GRCh38, 1-based): chr12:57,581,070, G>A. VCF-style: chr12-57581070-G-A. GRCh37 (hg19) VCF-style: chr12-57974853-G-A.
Other names: c.2386G>A, p.Gly796Ser (NM_001354705.2); short protein forms G885S, G796S.
Identifiers: ClinVar variation 3003171 (VCV003003171.3), dbSNP rs2540514729, ClinGen allele CA385515214.

ClinVar aggregate classification (germline): Uncertain significance (1 of 4 stars; one submission).

Conditions:
Spastic paraplegia. Identifiers: MedGen C0037772, HP:0001258.

Submission:

Labcorp Genetics (formerly Invitae), Labcorp
Classification: Uncertain significance for Spastic paraplegia. Last evaluated: 2023-11-08. Review status: criteria provided, single submitter. Criteria: Invitae Variant Classification Sherloc (09022015). Collection method: clinical testing. Allele origin: germline.
Comment: This sequence change replaces glycine, which is neutral and non-polar, with serine, which is neutral and polar, at codon 885 of the KIF5A protein (p.Gly885Ser). This variant is not present in population databases (gnomAD no frequency). This variant has not been reported in the literature in individuals affected with KIF5A-related conditions. Advanced modeling of protein sequence and biophysical properties (such as structural, functional, and spatial information, amino acid conservation, physicochemical variation, residue mobility, and thermodynamic stability) performed at Invitae indicates that this missense variant is not expected to disrupt KIF5A protein function with a negative predictive value of 95%. In summary, the available evidence is currently insufficient to determine the role of this variant in disease. Therefore, it has been classified as a Variant of Uncertain Significance.